The following is an entry in ClinVar:

NM_004944.4(DNASE1L3):c.451A>G (p.Ile151Val)

Gene: DNASE1L3 (deoxyribonuclease 1L3; minus strand). Cytogenetic location: 3p14.3.
Variant type: single nucleotide variant.
Coding change: c.451A>G on transcript NM_004944.4 (MANE Select); coding-DNA position 451, A replaced by G.
Protein change: p.Ile151Val; replaces isoleucine 151 with valine.
Molecular consequence: missense variant.
Genome position (GRCh38, 1-based): chr3:58,201,092, T>C on the plus strand (A>G on the coding strand, the complement: DNASE1L3 is on the minus strand). VCF-style: chr3-58201092-T-C. GRCh37 (hg19) VCF-style: chr3-58186819-T-C.
Other names: c.451A>G (NM_004944.3); c.361A>G, p.Ile121Val (NM_001256560.2); short protein forms I121V, I151V.
Identifiers: ClinVar variation 1567259 (VCV001567259.10), dbSNP rs778204609, ClinGen allele CA2469974.

ClinVar aggregate classification (germline): Likely benign. Review status: criteria provided, single submitter (1 of 4 stars). 2 submissions from 2 submitters: Likely benign (1). 1 of the submissions does not count toward it. Last evaluated 2025-04-07.

Conditions:
DNASE1L3-related disorder. Also called: DNASE1L3-related condition.

Allele frequency attached by ClinVar (database versions not stated): gnomAD 0.00003 and 0.00004; gnomAD exomes 0.00004 and 0.00021; TOPMed 0.00009; ExAC 0.00016.
gnomAD v4.1: 62 of 1,608,722 alleles (0.0039%); highest among the groups gnomAD compares: East Asian, 0.13%; no homozygotes.

Submissions (2):

Labcorp Genetics (formerly Invitae), Labcorp
Classification: Likely benign. Last evaluated: 2025-04-07. Review status: criteria provided, single submitter. Criteria: Invitae Variant Classification Sherloc (09022015). Collection method: clinical testing. Allele origin: germline.

PreventionGenetics, part of Exact Sciences
Classification: Likely benign for DNASE1L3-related condition. Last evaluated: 2023-09-28. Review status: no assertion criteria provided. Collection method: clinical testing. Allele origin: germline. Not counted in ClinVar's aggregate classification.
Comment: This variant is classified as likely benign based on ACMG/AMP sequence variant interpretation guidelines (Richards et al. 2015 PMID: 25741868, with internal and published modifications).